The following is an entry in ClinVar:

NM_001178035.2(CEP85L):c.7T>G (p.Trp3Gly)

Gene: CEP85L (centrosomal protein 85L; minus strand). Cytogenetic location: 6q22.31.
Variant type: single nucleotide variant.
Coding change: c.7T>G on transcript NM_001178035.2; coding-DNA position 7, T replaced by G.
Protein change: p.Trp3Gly; replaces tryptophan 3 with glycine.
Molecular consequence: missense variant.
Genome position (GRCh38, 1-based): chr6:118,652,775, A>C on the plus strand (T>G on the coding strand, the complement: CEP85L is on the minus strand). VCF-style: chr6-118652775-A-C. GRCh37 (hg19) VCF-style: chr6-118973938-A-C.
Other names: short protein forms W3G.
Identifiers: ClinVar variation 1325611 (VCV001325611.3), dbSNP rs957031499, ClinGen allele CA146540785.

ClinVar aggregate classification (germline): Uncertain significance (1 of 4 stars; one submission).

Conditions:
Lissencephaly 10. Identifiers: MedGen C5394354, MONDO:0030031, OMIM 618873.

Allele frequency attached by ClinVar (database versions not stated): gnomAD exomes below 0.00001; TOPMed 0.00002.
gnomAD v4.1: 1 of 1,527,804 alleles (0.000065%); highest among the groups gnomAD compares: African/African-American, 0.0014%; no homozygotes.

Submission:

New York Genome Center
Classification: Uncertain significance for Lissencephaly 10. Last evaluated: 2020-05-08. Review status: criteria provided, single submitter. Criteria: NYGC Assertion Criteria 2020. Collection method: clinical testing. Allele origin: inherited. Observed: 1 heterozygote. Study: CSER-NYCKidSeq.
Comment: The c.7T>G (p.Trp3Gly) variant in exon 2 of 14 of CEP85L has not been reported in affected individuals in the available literature. This variant is not present in gnomAD indicating it is not a common benign variant in the populations represented in this database. In silico predictors suggest this variant is Neutral (Provean; score: 0.18) and Damaging (SIFT; score: 0). Given the conflicting evidence regarding its pathogenicity, the c.7T>G (p.Trp3Gly) variant identified in the CEP85L gene is reported as a Variant of Uncertain Significance.